The following is an entry in ClinVar:

ClinVar aggregate classification (germline): Uncertain significance (1 of 4 stars; one submission).

Conditions:
Cardiovascular phenotype. Identifiers: MedGen CN230736.

Submission:

Ambry Genetics
Classification: Uncertain significance for Cardiovascular phenotype. Last evaluated: 2026-03-12. Review status: criteria provided, single submitter. Criteria: Ambry Variant Classification Scheme 2023. Collection method: clinical testing. Allele origin: germline.
Comment: The p.E353Q variant (also known as c.1057G>C), located in coding exon 8 of the ENG gene, results from a G to C substitution at nucleotide position 1057. The glutamic acid at codon 353 is replaced by glutamine, an amino acid with highly similar properties. This amino acid position is conserved. In addition, this alteration is predicted to be tolerated by in silico analysis. Based on the available evidence, the clinical significance of this variant remains unclear.

NM_001114753.3(ENG):c.1057G>C (p.Glu353Gln)

Gene: ENG (endoglin; minus strand). Cytogenetic location: 9q34.11.
Variant type: single nucleotide variant.
Coding change: c.1057G>C on transcript NM_001114753.3 (MANE Select); coding-DNA position 1057, G replaced by C.
Protein change: p.Glu353Gln; replaces glutamic acid 353 with glutamine.
Molecular consequence: missense variant.
Genome position (GRCh38, 1-based): chr9:127,824,381, C>G on the plus strand (G>C on the coding strand, the complement: ENG is on the minus strand). VCF-style: chr9-127824381-C-G. GRCh37 (hg19) VCF-style: chr9-130586660-C-G.
Other names: c.511G>C, p.Glu171Gln (NM_001278138.2); c.1057G>C, p.Glu353Gln (NM_001406715.1, NM_000118.4); short protein forms E171Q, E353Q.
Identifiers: ClinVar variation 4843425 (VCV004843425.1).
Genomic context (GRCh38, chr9:127,824,381, plus strand): 5'-TTAGTACCAGGGTCATGGCGTCGTCGGCACACTTTGTCTGGATCAAGGACATGAGCAGCT[C>G]CGGGCTACAAGTGTCCTTGGGAGGAGTGGTCTGGATCGGTGCGGGTGAGGTCTGCAGCCT-3'
Protein context (NP_001108225.1, residues 343-363): TTPPKDTCSP[Glu353Gln]LLMSLIQTKC